The following is an entry in ClinVar:

ClinVar aggregate classification (germline): Uncertain significance (1 of 4 stars; one submission).

Conditions:
Generalized epilepsy-paroxysmal dyskinesia syndrome (PNKD3). Also called: Paroxysmal nonkinesigenic dyskinesia, 3, with or without generalized epilepsy; Generalized epilepsy and paroxysmal dyskinesia. Identifiers: Orphanet 79137, MedGen C5574945, MONDO:0012276, OMIM 609446.

Allele frequency attached by ClinVar (database versions not stated): TOPMed below 0.00001.

Submission:

Labcorp Genetics (formerly Invitae), Labcorp
Classification: Uncertain significance for Generalized epilepsy-paroxysmal dyskinesia syndrome. Last evaluated: 2023-03-09. Review status: criteria provided, single submitter. Criteria: Invitae Variant Classification Sherloc (09022015). Collection method: clinical testing. Allele origin: germline.
Comment: ClinVar contains an entry for this variant (Variation ID: 1988844). This sequence change replaces histidine, which is basic and polar, with tyrosine, which is neutral and polar, at codon 30 of the KCNMA1 protein (p.His30Tyr). This variant is not present in population databases (gnomAD no frequency). This variant has not been reported in the literature in individuals affected with KCNMA1-related conditions. An algorithm developed to predict the effect of missense changes on protein structure and function (PolyPhen-2) suggests that this variant is likely to be tolerated. In summary, the available evidence is currently insufficient to determine the role of this variant in disease. Therefore, it has been classified as a Variant of Uncertain Significance.

NM_001161352.2(KCNMA1):c.88C>T (p.His30Tyr)

Gene: KCNMA1 (potassium calcium-activated channel subfamily M alpha 1; minus strand). Cytogenetic location: 10q22.3.
Variant type: single nucleotide variant.
Coding change: c.88C>T on transcript NM_001161352.2 (MANE Select); coding-DNA position 88, C replaced by T.
Protein change: p.His30Tyr; replaces histidine 30 with tyrosine.
Molecular consequence: missense variant.
Genome position (GRCh38, 1-based): chr10:77,637,555, G>A on the plus strand (C>T on the coding strand, the complement: KCNMA1 is on the minus strand). VCF-style: chr10-77637555-G-A. GRCh37 (hg19) VCF-style: chr10-79397313-G-A.
Other names: c.88C>T, p.His30Tyr (NM_001271521.2, NM_001271522.2, NM_001014797.3 and 13 more transcripts); short protein forms H30Y.
Identifiers: ClinVar variation 1988844 (VCV001988844.4), dbSNP rs1164839444, ClinGen allele CA377412787.